The following is an entry in ClinVar:

ClinVar aggregate classification (germline): Uncertain significance (1 of 4 stars; one submission).

Submission:

GeneDx
Classification: Uncertain significance. Last evaluated: 2019-12-27. Review status: criteria provided, single submitter. Criteria: GeneDx Variant Classification Process June 2021. Collection method: clinical testing. Allele origin: germline. Affected: yes.
Comment: Has not been previously published as pathogenic or benign to our knowledge; Not observed in large population cohorts (Lek 2016); In silico analysis, which includes protein predictors and evolutionary conservation, supports that this variant does not alter protein structure/function

NM_020937.4(FANCM):c.3763C>G (p.Pro1255Ala)

Gene: FANCM (FA complementation group M; plus strand). Cytogenetic location: 14q21.2.
Variant type: single nucleotide variant.
Coding change: c.3763C>G on transcript NM_020937.4 (MANE Select); coding-DNA position 3763, C replaced by G.
Protein change: p.Pro1255Ala; replaces proline 1255 with alanine.
Molecular consequence: missense variant.
Genome position (GRCh38, 1-based): chr14:45,176,517, C>G. VCF-style: chr14-45176517-C-G. GRCh37 (hg19) VCF-style: chr14-45645720-C-G.
Other names: c.3685C>G, p.Pro1229Ala (NM_001308133.2); short protein forms P1229A, P1255A.
Identifiers: ClinVar variation 1311802 (VCV001311802.2), dbSNP rs770651053, ClinGen allele CA389602926.